The following is an entry in ClinVar:

ClinVar aggregate classification (germline): Likely benign (1 of 4 stars; one submission).

Submission:

CeGaT Center for Human Genetics Tuebingen
Classification: Likely benign. Last evaluated: 2022-06-01. Review status: criteria provided, single submitter. Criteria: CeGaT Center For Human Genetics Tuebingen Variant Classification Criteria Version 2. Collection method: clinical testing. Allele origin: germline. Affected: yes. Observed: 1 variant allele.
Comment: NSF: PM2:Supporting, BP4, BP7

NM_006178.4(NSF):c.951T>A (p.Gly317=)

Genes: LRRC37A2 (leucine rich repeat containing 37 member A2), NSF (N-ethylmaleimide sensitive factor, vesicle fusing ATPase; plus strand). Cytogenetic location: 17q21.31.
Variant type: single nucleotide variant.
Coding change: c.951T>A on transcript NM_006178.4 (MANE Select); coding-DNA position 951, T replaced by A.
Protein change: p.Gly317=; no amino-acid change (glycine 317 retained).
Molecular consequence: synonymous variant. On other transcripts: non-coding transcript variant (1).
Genome position (GRCh38, 1-based): chr17:46,692,908, T>A. VCF-style: chr17-46692908-T-A. GRCh37 (hg19) VCF-style: chr17-44770274-T-A.
Identifiers: ClinVar variation 2647864 (VCV002647864.24), dbSNP rs2545892882, ClinGen allele CA500380307.